The following is an entry in ClinVar:

NM_000256.3(MYBPC3):c.2604del (p.Ser871fs)

Gene: MYBPC3 (myosin binding protein C3; minus strand). Cytogenetic location: 11p11.2.
Variant type: Deletion.
Coding change: c.2604del on transcript NM_000256.3 (MANE Select); coding-DNA position 2604, one base deleted (T; older notation c.2604delT).
Protein change: p.Ser871fs; shifts the reading frame from serine 871.
Molecular consequence: frameshift variant.
Genome position (GRCh38, 1-based): chr11:47,336,010, A deleted on the plus strand (T on the coding strand, the reverse complement: MYBPC3 is on the minus strand). VCF-style (leftmost placement, unchanged base first): chr11-47336009-GA-G. GRCh37 (hg19) VCF-style: chr11-47357560-GA-G.
Other names: c.2604del, p.Ser871fs (LRG_386t1); c.2604delT (NM_000256.3); short protein forms S871fs.
Identifiers: ClinVar variation 181082 (VCV000181082.11), dbSNP rs730880655, ClinGen allele CA012697.

ClinVar aggregate classification (germline): Pathogenic. Review status: criteria provided, multiple submitters, no conflicts (2 of 4 stars). 3 submissions from 3 submitters: Pathogenic (3). Last evaluated 2025-04-23.

Conditions:
Cardiovascular phenotype. Identifiers: MedGen CN230736.
Cardiomyopathy (CMYO). Also called: Cardiomyopathies. Identifiers: Orphanet 167848, MedGen C0878544, MONDO:0004994, HP:0001638. Inheritance: Various modes of inheritance.
Hypertrophic cardiomyopathy. Also called: HYPERTROPHIC MYOCARDIOPATHY. Identifiers: Orphanet 217569, MedGen C0007194, MeSH D002312, MONDO:0005045, HP:0001639.

Submissions (3):

Ambry Genetics
Classification: Pathogenic for Cardiovascular phenotype. Last evaluated: 2025-04-23. Review status: criteria provided, single submitter. Criteria: Ambry Variant Classification Scheme 2023. Collection method: clinical testing. Allele origin: germline.
Comment: The c.2604delT pathogenic mutation, located in coding exon 26 of the MYBPC3 gene, results from a deletion of one nucleotide at nucleotide position 2604, causing a translational frameshift with a predicted alternate stop codon (p.S871Afs*8). This variant was reported in individual(s) with features consistent with hypertrophic cardiomyopathy (Lopes LR et al. Heart. 2015 Feb;101(4):294-301). This variant is considered to be rare based on population cohorts in the Genome Aggregation Database (gnomAD). This alteration is expected to result in loss of function by premature protein truncation or nonsense-mediated mRNA decay. As such, this alteration is interpreted as a disease-causing mutation.

Labcorp Genetics (formerly Invitae), Labcorp
Classification: Pathogenic for Hypertrophic cardiomyopathy. Last evaluated: 2024-11-21. Review status: criteria provided, single submitter. Criteria: Invitae Variant Classification Sherloc (09022015). Collection method: clinical testing. Allele origin: germline.
Comment: This sequence change creates a premature translational stop signal (p.Ser871Alafs*8) in the MYBPC3 gene. It is expected to result in an absent or disrupted protein product. Loss-of-function variants in MYBPC3 are known to be pathogenic (PMID: 19574547). This variant is not present in population databases (gnomAD no frequency). This premature translational stop signal has been observed in individual(s) with hypertrophic cardiomyopathy (PMID: 25351510, 27600940, 28615295). ClinVar contains an entry for this variant (Variation ID: 181082). For these reasons, this variant has been classified as Pathogenic.

GeneDx
Classification: Pathogenic for Cardiomyopathy. Last evaluated: 2014-08-14. Review status: criteria provided, single submitter. Criteria: GeneDx Variant Classification (06012015). Collection method: clinical testing. Allele origin: germline. Affected: yes.
Comment: c.2604delT: p.Ser871AlafsX8 (S871AfsX8) in exon 26 of the MYBPC3 gene (NM_000256.3) The normal sequence with the base that is deleted in braces is: cagG[T]CCCC. Uppercase letters represent exonic sequence; lower case letters represent intronic sequence. Although the c.2604delT mutation in the MYBPC3 gene has not been reported to our knowledge, this mutation causes a shift in reading frame starting at codon Serine 871, changing it to an Alanine, and creating a premature stop codon at position 8 of the new reading frame, denoted p.Ser871AlafsX8 . This mutation is expected to result in either an abnormal, truncated protein product or loss of protein from this allele through nonsense-mediated mRNA decay. Other frameshift mutations in the MYBPC3 gene have been reported in association with hypertrophic cardiomyopathy. In summary, c.2604delT in the MYBPC3 gene is interpreted as a disease-causing mutation. The variant is found in HCM panel(s).

Literature cited by the submitters: PubMed 19574547 (cited by Labcorp Genetics (formerly Invitae), Labcorp); PubMed 25351510 (cited by Labcorp Genetics (formerly Invitae), Labcorp); PubMed 27600940 (cited by Labcorp Genetics (formerly Invitae), Labcorp); PubMed 28615295 (cited by Labcorp Genetics (formerly Invitae), Labcorp).